The following is an entry in ClinVar:

ClinVar aggregate classification (germline): Uncertain significance. Review status: criteria provided, multiple submitters, no conflicts (2 of 4 stars). 4 submissions from 4 submitters: Uncertain significance (4). Last evaluated 2025-03-14.

Conditions:
DLL1-related disorder. Also called: DLL1-related condition.
Inborn genetic diseases. Identifiers: MedGen C0950123, MeSH D030342.

Allele frequency attached by ClinVar (database versions not stated): gnomAD 0.00001; gnomAD exomes 0.00002; ExAC 0.00005.

Submissions (4):

Ambry Genetics
Classification: Uncertain significance for Inborn genetic diseases. Last evaluated: 2025-03-14. Review status: criteria provided, single submitter. Criteria: Ambry Variant Classification Scheme 2023. Collection method: clinical testing. Allele origin: germline.

Labcorp Genetics (formerly Invitae), Labcorp
Classification: Uncertain significance. Last evaluated: 2023-02-16. Review status: criteria provided, single submitter. Criteria: Invitae Variant Classification Sherloc (09022015). Collection method: clinical testing. Allele origin: germline.
Comment: This sequence change replaces glycine, which is neutral and non-polar, with aspartic acid, which is acidic and polar, at codon 475 of the DLL1 protein (p.Gly475Asp). The frequency data for this variant in the population databases is considered unreliable, as metrics indicate poor data quality at this position in the gnomAD database. This variant has not been reported in the literature in individuals affected with DLL1-related conditions. An algorithm developed to predict the effect of missense changes on protein structure and function (PolyPhen-2) suggests that this variant is likely to be disruptive. In summary, the available evidence is currently insufficient to determine the role of this variant in disease. Therefore, it has been classified as a Variant of Uncertain Significance.

PreventionGenetics, part of Exact Sciences
Classification: Uncertain significance for DLL1-related condition. Last evaluated: 2023-02-09. Review status: criteria provided, single submitter. Criteria: ACMG Guidelines, 2015. Collection method: clinical testing. Allele origin: germline.
Comment: The DLL1 c.1424G>A variant is predicted to result in the amino acid substitution p.Gly475Asp. To our knowledge, this variant has not been reported in the literature. This variant is reported in 0.0043% of alleles in individuals of African descent in gnomAD. At this time, the clinical significance of this variant is uncertain due to the absence of conclusive functional and genetic evidence.

CeGaT Center for Human Genetics Tuebingen
Classification: Uncertain significance. Last evaluated: 2022-08-01. Review status: criteria provided, single submitter. Criteria: CeGaT Center For Human Genetics Tuebingen Variant Classification Criteria Version 2. Collection method: clinical testing. Allele origin: germline. Affected: yes. Observed: 1 variant allele.

NM_005618.4(DLL1):c.1424G>A (p.Gly475Asp)

Gene: DLL1 (delta like canonical Notch ligand 1; minus strand). Cytogenetic location: 6q27.
Variant type: single nucleotide variant.
Coding change: c.1424G>A on transcript NM_005618.4 (MANE Select); coding-DNA position 1424, G replaced by A.
Protein change: p.Gly475Asp; replaces glycine 475 with aspartic acid.
Molecular consequence: missense variant.
Genome position (GRCh38, 1-based): chr6:170,283,855, C>T on the plus strand (G>A on the coding strand, the complement: DLL1 is on the minus strand). VCF-style: chr6-170283855-C-T. GRCh37 (hg19) VCF-style: chr6-170592943-C-T.
Other names: c.1424G>A (NM_005618.3); short protein forms G475D.
Identifiers: ClinVar variation 1959046 (VCV001959046.30), dbSNP rs765698383, ClinGen allele CA4106827.